The following is an entry in ClinVar:

NM_005732.4(RAD50):c.611A>G (p.Lys204Arg)

Gene: RAD50 (RAD50 double strand break repair protein; plus strand). Cytogenetic location: 5q31.1.
Variant type: single nucleotide variant.
Coding change: c.611A>G on transcript NM_005732.4 (MANE Select); coding-DNA position 611, A replaced by G.
Protein change: p.Lys204Arg; replaces lysine 204 with arginine.
Molecular consequence: missense variant.
Genome position (GRCh38, 1-based): chr5:132,579,921, A>G. VCF-style: chr5-132579921-A-G. GRCh37 (hg19) VCF-style: chr5-131915613-A-G.
Other names: short protein forms K204R.
Identifiers: ClinVar variation 1401379 (VCV001401379.8), dbSNP rs2149837959, ClinGen allele CA360935864.

ClinVar aggregate classification (germline): Uncertain significance (1 of 4 stars; one submission).

Conditions:
Hereditary cancer-predisposing syndrome. Also called: Hereditary Cancer Syndrome; Hereditary neoplastic syndrome; Tumor predisposition; Neoplastic Syndromes, Hereditary. Identifiers: Orphanet 140162, MedGen C0027672, MeSH D009386, MONDO:0015356.

Submission:

Labcorp Genetics (formerly Invitae), Labcorp
Classification: Uncertain significance for Hereditary cancer-predisposing syndrome. Last evaluated: 2021-06-16. Review status: criteria provided, single submitter. Criteria: Invitae Variant Classification Sherloc (09022015). Collection method: clinical testing. Allele origin: germline.
Comment: In summary, the available evidence is currently insufficient to determine the role of this variant in disease. Therefore, it has been classified as a Variant of Uncertain Significance. Algorithms developed to predict the effect of sequence changes on RNA splicing suggest that this variant may create or strengthen a splice site, but this prediction has not been confirmed by published transcriptional studies. Algorithms developed to predict the effect of missense changes on protein structure and function (SIFT, PolyPhen-2, Align-GVGD) all suggest that this variant is likely to be tolerated, but these predictions have not been confirmed by published functional studies and their clinical significance is uncertain. This variant has not been reported in the literature in individuals with RAD50-related conditions. This variant is not present in population databases (ExAC no frequency). This sequence change replaces lysine with arginine at codon 204 of the RAD50 protein (p.Lys204Arg). The lysine residue is highly conserved and there is a small physicochemical difference between lysine and arginine.